The following is an entry in ClinVar:

ClinVar aggregate classification (germline): Uncertain significance (0 of 4 stars; one submission).

Conditions:
ADCY3-related disorder. Also called: ADCY3-related condition.

gnomAD v4.1: 7 of 1,614,126 alleles (0.00043%); highest among the groups gnomAD compares: East Asian, 0.0089%; no homozygotes.

Submission:

PreventionGenetics, part of Exact Sciences
Classification: Uncertain significance for ADCY3-related condition. Last evaluated: 2024-02-07. Review status: no assertion criteria provided. Collection method: clinical testing. Allele origin: germline.
Comment: The ADCY3 c.1456G>A variant is predicted to result in the amino acid substitution p.Gly486Ser. To our knowledge, this variant has not been reported in the literature. This variant is reported in 0.016% of alleles in individuals of East Asian descent in gnomAD. At this time, the clinical significance of this variant is uncertain due to the absence of conclusive functional and genetic evidence.

NM_004036.5(ADCY3):c.1456G>A (p.Gly486Ser)

Gene: ADCY3 (adenylate cyclase 3; minus strand). Cytogenetic location: 2p23.3.
Variant type: single nucleotide variant.
Coding change: c.1456G>A on transcript NM_004036.5 (MANE Select); coding-DNA position 1456, G replaced by A.
Protein change: p.Gly486Ser; replaces glycine 486 with serine.
Molecular consequence: missense variant.
Genome position (GRCh38, 1-based): chr2:24,838,522, C>T on the plus strand (G>A on the coding strand, the complement: ADCY3 is on the minus strand). VCF-style: chr2-24838522-C-T. GRCh37 (hg19) VCF-style: chr2-25061391-C-T.
Other names: c.1456G>A, p.Gly486Ser (NM_001320613.2, NM_001377129.1, NM_001377130.1 and 1 more transcripts); c.1522G>A, p.Gly508Ser (NM_001377128.1); c.733G>A, p.Gly245Ser (NM_001377131.1); short protein forms G245S, G486S, G508S.
Identifiers: ClinVar variation 3357814 (VCV003357814.1).
Genomic context (GRCh38, chr2:24,838,522, plus strand): 5'-TCTGGGTGGCTGTTTTCTTCACCTCTGGCTTGGAGGCAATGATGAGGTAGGTTTCAATAC[C>T]CTTCTCTTCTAGGTAATCACAGCGGCTGCCCCCATCGCCTGGCTCCACATCAAACTCCCC-3'
Protein context (NP_004027.2, residues 476-496): GSRCDYLEEK[Gly486Ser]IETYLIIASK